The following is an entry in ClinVar:

ClinVar aggregate classification (germline): Uncertain significance (1 of 4 stars; one submission).

Conditions:
Macrothrombocytopenia and granulocyte inclusions with or without nephritis or sensorineural hearing loss (MATINS). Also called: DOHLE LEUKOCYTE INCLUSIONS WITH GIANT PLATELETS; MACROTHROMBOCYTOPENIA WITH LEUKOCYTE INCLUSIONS; SEBASTIAN PLATELET SYNDROME; MACROTHROMBOCYTOPENIA WITH DISPERSED LEUKOCYTIC INCLUSIONS; MACROTHROMBOCYTOPENIA, NEPHRITIS, AND DEAFNESS; MACROTHROMBOCYTOPENIA, NEPHRITIS, DEAFNESS, AND LEUKOCYTE INCLUSIONS. Identifiers: Orphanet 182050, MedGen C5200934, MONDO:0015912, OMIM 155100.

Submission:

ISTH-SSC Genomics in Thrombosis and Hemostasis, KU Leuven, Center for Molecular and Vascular Biology
Classification: Uncertain significance for Macrothrombocytopenia and granulocyte inclusions with or without nephritis or sensorineural hearing loss. Review status: criteria provided, single submitter. Criteria: ACMG Guidelines, 2015. Collection method: clinical testing. Allele origin: germline. Affected: yes. Observed: 1 heterozygote.
Comment: Submitted to the GoldVariant database by Dr Marie-Christine Morel-Kopp; Northern Blood Research Centre, Sydney, Australia

NM_002473.6(MYH9):c.4691C>T (p.Ala1564Val)

Gene: MYH9 (myosin heavy chain 9; minus strand). Cytogenetic location: 22q12.3.
Variant type: single nucleotide variant.
Coding change: c.4691C>T on transcript NM_002473.6 (MANE Select); coding-DNA position 4691, C replaced by T.
Protein change: p.Ala1564Val; replaces alanine 1564 with valine.
Molecular consequence: missense variant.
Genome position (GRCh38, 1-based): chr22:36,288,806, G>A on the plus strand (C>T on the coding strand, the complement: MYH9 is on the minus strand). VCF-style: chr22-36288806-G-A. GRCh37 (hg19) VCF-style: chr22-36684852-G-A.
Other names: short protein forms A1564V.
Identifiers: ClinVar variation 2572093 (VCV002572093.1), dbSNP rs2517953769, ClinGen allele CA411377607.